The following is an entry in ClinVar:

ClinVar aggregate classification (germline): Uncertain significance (1 of 4 stars; one submission).

Conditions:
L-2-hydroxyglutaric aciduria (L2HGA). Identifiers: Orphanet 79314, MedGen C1855995, MONDO:0009370, OMIM 236792, HP:0040144.

Submission:

Labcorp Genetics (formerly Invitae), Labcorp
Classification: Uncertain significance for L-2-hydroxyglutaric aciduria. Last evaluated: 2025-04-08. Review status: criteria provided, single submitter. Criteria: Invitae Variant Classification Sherloc (09022015). Collection method: clinical testing. Allele origin: germline.
Comment: This sequence change replaces glycine, which is neutral and non-polar, with serine, which is neutral and polar, at codon 181 of the L2HGDH protein (p.Gly181Ser). This variant is not present in population databases (gnomAD no frequency). This variant has not been reported in the literature in individuals affected with L2HGDH-related conditions. Invitae Evidence Modeling of protein sequence and biophysical properties (such as structural, functional, and spatial information, amino acid conservation, physicochemical variation, residue mobility, and thermodynamic stability) indicates that this missense variant is expected to disrupt L2HGDH protein function with a positive predictive value of 80%. In summary, the available evidence is currently insufficient to determine the role of this variant in disease. Therefore, it has been classified as a Variant of Uncertain Significance.

NM_024884.3(L2HGDH):c.541G>A (p.Gly181Ser)

Gene: L2HGDH (L-2-hydroxyglutarate dehydrogenase; minus strand). Cytogenetic location: 14q21.3.
Variant type: single nucleotide variant.
Coding change: c.541G>A on transcript NM_024884.3 (MANE Select); coding-DNA position 541, G replaced by A.
Protein change: p.Gly181Ser; replaces glycine 181 with serine.
Molecular consequence: missense variant. On other transcripts: 5 prime UTR variant (4).
Genome position (GRCh38, 1-based): chr14:50,284,033, C>T on the plus strand (G>A on the coding strand, the complement: L2HGDH is on the minus strand). VCF-style: chr14-50284033-C-T. GRCh37 (hg19) VCF-style: chr14-50750751-C-T.
Other names: c.541G>A, p.Gly181Ser (NM_001425212.1); c.430G>A, p.Gly144Ser (NM_001425213.1, NM_001425214.1); c.-6G>A (NM_001425215.1, NM_001425216.1, NM_001425217.1 and 1 more transcripts); short protein forms G181S, G144S.
Identifiers: ClinVar variation 4709958 (VCV004709958.1).